The following is an entry in ClinVar:

NM_014251.3(SLC25A13):c.70-1G>T

Gene: SLC25A13 (solute carrier family 25 member 13; minus strand). Cytogenetic location: 7q21.3.
Variant type: single nucleotide variant.
Coding change: c.70-1G>T on transcript NM_014251.3 (MANE Select); the canonical splice acceptor site of the intron before coding-DNA position 70, G replaced by T.
Molecular consequence: splice acceptor variant.
Genome position (GRCh38, 1-based): chr7:96,277,339, C>A on the plus strand (G>T on the coding strand, the complement: SLC25A13 is on the minus strand). VCF-style: chr7-96277339-C-A. GRCh37 (hg19) VCF-style: chr7-95906651-C-A.
Other names: c.70-1G>T (NM_001160210.2).
Identifiers: ClinVar variation 1495989 (VCV001495989.8), dbSNP rs962082210, ClinGen allele CA368406758.

ClinVar aggregate classification (germline): Likely pathogenic (1 of 4 stars; one submission).

Conditions:
Citrin deficiency. Identifiers: Orphanet 247582, MedGen C1997910, MONDO:0016602.

Submission:

Labcorp Genetics (formerly Invitae), Labcorp
Classification: Likely pathogenic for Citrin deficiency. Last evaluated: 2021-03-22. Review status: criteria provided, single submitter. Criteria: Invitae Variant Classification Sherloc (09022015). Collection method: clinical testing. Allele origin: germline.
Comment: In summary, the currently available evidence indicates that the variant is pathogenic, but additional data are needed to prove that conclusively. Therefore, this variant has been classified as Likely Pathogenic. Algorithms developed to predict the effect of sequence changes on RNA splicing suggest that this variant may disrupt the consensus splice site, but this prediction has not been confirmed by published transcriptional studies. This variant has not been reported in the literature in individuals with SLC25A13-related conditions. This variant is not present in population databases (ExAC no frequency). This sequence change affects an acceptor splice site in intron 2 of the SLC25A13 gene. It is expected to disrupt RNA splicing. Variants that disrupt the donor or acceptor splice site typically lead to a loss of protein function (PMID: 16199547), and loss-of-function variants in SLC25A13 are known to be pathogenic (PMID: 10369257, 14680984, 27405544).

Literature cited by the submitters: PubMed 16199547; PubMed 10369257; PubMed 14680984; PubMed 27405544.